The following is an entry in ClinVar:

NM_004176.5(SREBF1):c.1289C>A (p.Ser430Ter)

Gene: SREBF1 (sterol regulatory element binding transcription factor 1; minus strand). Cytogenetic location: 17p11.2.
Variant type: single nucleotide variant.
Coding change: c.1289C>A on transcript NM_004176.5 (MANE Select); coding-DNA position 1289, C replaced by A.
Protein change: p.Ser430Ter; replaces serine 430 with a stop codon.
Molecular consequence: nonsense. On other transcripts: non-coding transcript variant (4).
Genome position (GRCh38, 1-based): chr17:17,817,811, G>T on the plus strand (C>A on the coding strand, the complement: SREBF1 is on the minus strand). VCF-style: chr17-17817811-G-T. GRCh37 (hg19) VCF-style: chr17-17721125-G-T.
Other names: c.1379C>A, p.Ser460Ter (NM_001005291.3); c.1217C>A, p.Ser406Ter (NM_001321096.3); c.1289C>A, p.Ser430Ter (NM_001388385.1, NM_001388386.1, NM_001388387.1 and 1 more transcripts); c.1244C>A, p.Ser415Ter (NM_001388388.1); c.1283C>A, p.Ser428Ter (NM_001388389.1); c.1271C>A, p.Ser424Ter (NM_001388390.1); c.1262C>A, p.Ser421Ter (NM_001388391.1); c.1067C>A, p.Ser356Ter (NM_001388392.1); and 1 more; short protein forms S406*, S428*, S430*, S460*, S286*, S356*, S424*, S415*.
Identifiers: ClinVar variation 2177720 (VCV002177720.5), dbSNP rs2543776802, ClinGen allele CA398565435.
Genomic context (GRCh38, chr17:17,817,811, plus strand): 5'-CTGCCACTGCCCCTGCTGCCAAGGGACAAGGGGCTGCTCTGGAAAGGTGAGCCAGCATCC[G>T]AGGGGGGTGGGGTCAGTGTGTCCTCCACCTCAGTCTTCACGCCCTCCATGAGCACGTCTG-3'

ClinVar aggregate classification (germline): Conflicting classifications of pathogenicity. Review status: criteria provided, conflicting classifications (1 of 4 stars). 2 submissions from 2 submitters: Likely pathogenic (1); Uncertain significance (1). Last evaluated 2025-09-17.

Conditions:
SREBF1-related disorder. Also called: SREBF1-related condition.

Submissions (2):

3billion
Classification: Likely pathogenic for SREBF1-related disorder. Last evaluated: 2025-09-17. Review status: criteria provided, single submitter. Criteria: ACMG Guidelines, 2015. Collection method: clinical testing. Allele origin: germline. Affected: yes.
Comment: The variant is not observed in the gnomAD v4.1.0 dataset. Predicted Consequence/Location: Stop-gained (nonsense): The gain-of-function of the truncated protein has been reported (PMID: 39005171). Functional studies provide moderate evidence of the variant having a damaging effect on the gene or gene product (PMID: 39005171). The variant has been previously reported as de novo in a similarly affected individual (PMID: 39005171). The variant has been reported to be associated with SREBF1-related disorder (PMID: 39005171). Therefore, this variant is classified as Likely pathogenic according to the recommendation of ACMG/AMP guideline.

Labcorp Genetics (formerly Invitae), Labcorp
Classification: Uncertain significance. Last evaluated: 2022-07-25. Review status: criteria provided, single submitter. Criteria: Invitae Variant Classification Sherloc (09022015). Collection method: clinical testing. Allele origin: germline.
Comment: In summary, the available evidence is currently insufficient to determine the role of this variant in disease. Therefore, it has been classified as a Variant of Uncertain Significance. This variant has not been reported in the literature in individuals affected with SREBF1-related conditions. This variant is not present in population databases (gnomAD no frequency). This sequence change creates a premature translational stop signal (p.Ser430*) in the SREBF1 gene. It is expected to result in an absent or disrupted protein product. However, the current clinical and genetic evidence is not sufficient to establish whether loss-of-function variants in SREBF1 cause disease.

Literature cited by the submitters: PubMed 39005171 (cited by 3billion).